The following is an entry in ClinVar:

NM_000245.4(MET):c.2251A>G (p.Lys751Glu)

Gene: MET (MET proto-oncogene, receptor tyrosine kinase; plus strand). Cytogenetic location: 7q31.2.
Variant type: single nucleotide variant.
Coding change: c.2251A>G on transcript NM_000245.4 (MANE Select); coding-DNA position 2251, A replaced by G.
Protein change: p.Lys751Glu; replaces lysine 751 with glutamic acid.
Molecular consequence: missense variant.
Genome position (GRCh38, 1-based): chr7:116,758,607, A>G. VCF-style: chr7-116758607-A-G. GRCh37 (hg19) VCF-style: chr7-116398661-A-G.
Other names: c.2251A>G, p.Lys751Glu (NM_001127500.3, NM_001324401.3); c.961A>G, p.Lys321Glu (NM_001324402.2); short protein forms K321E, K751E.
Identifiers: ClinVar variation 4053923 (VCV004053923.1).

ClinVar aggregate classification (germline): Uncertain significance (1 of 4 stars; one submission).

Conditions:
Hereditary cancer-predisposing syndrome. Also called: Neoplastic Syndromes, Hereditary; Tumor predisposition; Hereditary neoplastic syndrome; Hereditary Cancer Syndrome. Identifiers: Orphanet 140162, MedGen C0027672, MeSH D009386, MONDO:0015356.

Submission:

Ambry Genetics
Classification: Uncertain significance for Hereditary cancer-predisposing syndrome. Last evaluated: 2025-03-25. Review status: criteria provided, single submitter. Criteria: Ambry Variant Classification Scheme 2023. Collection method: clinical testing. Allele origin: germline.
Comment: The p.K751E variant (also known as c.2251A>G), located in coding exon 8 of the MET gene, results from an A to G substitution at nucleotide position 2251. The lysine at codon 751 is replaced by glutamic acid, an amino acid with similar properties. This amino acid position is conserved. In addition, the in silico prediction for this alteration is inconclusive. Based on the available evidence, the clinical significance of this variant remains unclear.